The following is an entry in ClinVar:

NM_013382.7(POMT2):c.890C>T (p.Thr297Ile)

Gene: POMT2 (protein O-mannosyltransferase 2; minus strand). Cytogenetic location: 14q24.3.
Variant type: single nucleotide variant.
Coding change: c.890C>T on transcript NM_013382.7 (MANE Select); coding-DNA position 890, C replaced by T.
Protein change: p.Thr297Ile; replaces threonine 297 with isoleucine.
Molecular consequence: missense variant.
Genome position (GRCh38, 1-based): chr14:77,299,488, G>A on the plus strand (C>T on the coding strand, the complement: POMT2 is on the minus strand). VCF-style: chr14-77299488-G-A. GRCh37 (hg19) VCF-style: chr14-77765831-G-A.
Other names: c.890C>T (NM_013382.5); short protein forms T297I.
Identifiers: ClinVar variation 198554 (VCV000198554.14), dbSNP rs775548781, ClinGen allele CA247268.
Genomic context (GRCh38, chr14:77,299,488, plus strand): 5'-AAGATGCTGCAAAGGCTCTGTCTGTACCTTTTACTCAGCACCATGAAGTGAACAGCAAAG[G>A]TGGCTGTATAGAGAGCCAGGGGCAGCACTATGAGGCACAGGACACGAGCAGTCAGGTGTT-3'
Protein context (NP_037514.2, residues 287-307): IVLPLALYTA[Thr297Ile]FAVHFMVLSK

ClinVar aggregate classification (germline): Conflicting classifications of pathogenicity. Review status: criteria provided, conflicting classifications (1 of 4 stars). 5 submissions from 5 submitters: Uncertain significance (4); Likely benign (1). Last evaluated 2025-07-02.

Conditions:
Inborn genetic diseases. Identifiers: MedGen C0950123, MeSH D030342.
Autosomal recessive limb-girdle muscular dystrophy type 2N. Also called: MUSCULAR DYSTROPHY-DYSTROGLYCANOPATHY, LIMB-GIRDLE, POMT2-RELATED; Muscular dystrophy-dystroglycanopathy (limb-girdle), type C, 2. Identifiers: Orphanet 206559, MedGen C3150418, MONDO:0013162, OMIM 613158.
Muscular dystrophy-dystroglycanopathy (congenital with brain and eye anomalies), type A2. Also called: MUSCULAR DYSTROPHY-DYSTROGLYCANOPATHY (CONGENITAL WITH BRAIN AND EYE ANOMALIES), TYPE A, 2; WALKER-WARBURG SYNDROME OR MUSCLE-EYE-BRAIN DISEASE, POMT2-RELATED. Identifiers: Orphanet 588, Orphanet 899, MedGen C3150411, MONDO:0013154, OMIM 613150.
Muscular dystrophy-dystroglycanopathy (congenital with impaired intellectual development), type B, 2. Also called: MUSCULAR DYSTROPHY, CONGENITAL, POMT2-RELATED; Muscular dystrophy-dystroglycanopathy (congenital with intellectual disability), type B2. Identifiers: MedGen C3150416, MONDO:0013160, OMIM 613156.

Allele frequency attached by ClinVar (database versions not stated): gnomAD exomes below 0.00001 and 0.00002; gnomAD 0.00001; ExAC 0.00002; TOPMed 0.00003.
gnomAD v4.1: 8 of 1,614,006 alleles (0.0005%); highest among the groups gnomAD compares: East Asian, 0.018%; no homozygotes.

Submissions (5):

Athena Diagnostics
Classification: Uncertain significance. Last evaluated: 2025-07-02. Review status: criteria provided, single submitter. Criteria: Athena Diagnostics Criteria. Collection method: clinical testing. Allele origin: unknown.
Comment: Available data are insufficient to determine the clinical significance of the variant at this time. The frequency of this variant in the general population is higher than would generally be expected for pathogenic variants in this gene. Polyphen and MutationTaster predict this amino acid change may be benign. The variant is located in a region that is considered important for protein function and/or structure.

Ambry Genetics
Classification: Likely benign for Inborn genetic diseases. Last evaluated: 2024-10-11. Review status: criteria provided, single submitter. Criteria: Ambry Variant Classification Scheme 2023. Collection method: clinical testing. Allele origin: germline.

Labcorp Genetics (formerly Invitae), Labcorp
Classification: Uncertain significance for Muscular dystrophy-dystroglycanopathy (congenital with impaired intellectual development), type B, 2; Muscular dystrophy-dystroglycanopathy (congenital with brain and eye anomalies), type A2; Autosomal recessive limb-girdle muscular dystrophy type 2N. Last evaluated: 2021-08-13. Review status: criteria provided, single submitter. Criteria: Invitae Variant Classification Sherloc (09022015). Collection method: clinical testing. Allele origin: germline.
Comment: This sequence change replaces threonine with isoleucine at codon 297 of the POMT2 protein (p.Thr297Ile). The threonine residue is weakly conserved and there is a moderate physicochemical difference between threonine and isoleucine. This variant is present in population databases (rs775548781, ExAC 0.03%). This variant has not been reported in the literature in individuals affected with POMT2-related conditions. ClinVar contains an entry for this variant (Variation ID: 198554). Algorithms developed to predict the effect of missense changes on protein structure and function output the following: SIFT: "Tolerated"; PolyPhen-2: "Benign"; Align-GVGD: "Class C0". The isoleucine amino acid residue is found in multiple mammalian species, which suggests that this missense change does not adversely affect protein function. In summary, the available evidence is currently insufficient to determine the role of this variant in disease. Therefore, it has been classified as a Variant of Uncertain Significance.

Revvity Omics, Revvity
Classification: Uncertain significance. Last evaluated: 2019-04-05. Review status: criteria provided, single submitter. Criteria: ACMG Guidelines, 2015. Collection method: clinical testing. Allele origin: germline.

Eurofins Ntd Llc (ga)
Classification: Uncertain significance. Last evaluated: 2014-11-06. Review status: criteria provided, single submitter. Criteria: EGL Classification Definitions 2015. Collection method: clinical testing. Allele origin: germline. Observed: 1 variant allele, 1 heterozygote.